The following is an entry in ClinVar:

NM_001378609.3(OTOGL):c.952TTC[1] (p.Phe319del)

Gene: OTOGL (otogelin like; plus strand). Cytogenetic location: 12q21.31.
Variant type: Microsatellite.
Coding change: c.952TTC[1] on transcript NM_001378609.3 (MANE Select); one copy of the 3-base unit TTC starting at c.952; the reference has two copies in a row; one copy, 3 bases deleted; also written c.955_957del.
Protein change: p.Phe319del; deletes phenylalanine 319.
Molecular consequence: inframe deletion.
Genome position (GRCh38, 1-based): chr12:80,239,342-80,239,344, TTC deleted; deleting any 3 consecutive bases within chr12:80,239,337-80,239,344 gives the same sequence; the position shown is the placement nearest the transcript's 3' end. VCF-style (leftmost placement, unchanged base first): chr12-80239336-ATCT-A. GRCh37 (hg19) VCF-style: chr12-80633116-ATCT-A.
Other names: c.955_957del (NM_001378609.3); c.952TTC[1], p.Phe319del (NM_001368062.3, NM_001378610.3, NM_173591.7); short protein forms F319del.
Identifiers: ClinVar variation 5018703 (VCV005018703.2).

ClinVar aggregate classification (germline): Uncertain significance (1 of 4 stars; one submission).

Conditions:
Autosomal recessive nonsyndromic hearing loss 84B. Also called: Deafness, autosomal recessive 84b. Identifiers: Orphanet 90636, MedGen C3554159, MONDO:0013984, OMIM 614944.

Submission:

Juno Genomics, Hangzhou Juno Genomics, Inc
Classification: Uncertain significance for Autosomal recessive nonsyndromic hearing loss 84B. Review status: criteria provided, single submitter. Criteria: ACMG Guidelines, 2015. Collection method: clinical testing. Allele origin: germline.
Comment: Absent from controls (or at extremely low frequency if recessive) in Genome Aggregation Database.;Protein length changes due to in-frame deletions/insertions in a non-repeat region or stop-loss variants.